The following is an entry in ClinVar:

ClinVar aggregate classification (germline): Conflicting classifications of pathogenicity. Review status: criteria provided, conflicting classifications (1 of 4 stars). 3 submissions from 3 submitters: Likely pathogenic (1); Uncertain significance (2). Last evaluated 2021-07-01.

Conditions:
Dilated cardiomyopathy 1D. Identifiers: Orphanet 154, Orphanet 54260, MedGen C1832243, MONDO:0011095, OMIM 601494.
Cardiomyopathy, familial restrictive, 3. Identifiers: Orphanet 75249, MedGen C2676271, MONDO:0012900, OMIM 612422.
Hypertrophic cardiomyopathy 2. Also called: TNNT2-Related Familial Hypertrophic Cardiomyopathy. Identifiers: MedGen C1861864, MONDO:0007266, OMIM 115195.

Submissions (3):

Stanford Center for Inherited Cardiovascular Disease, Stanford University
Classification: Likely pathogenic. Last evaluated: 2021-07-01. Review status: criteria provided, single submitter. Criteria: ACMG Guidelines, 2015. Collection method: provider interpretation. Allele origin: germline.

Blueprint Genetics
Classification: Uncertain significance. Last evaluated: 2021-02-18. Review status: criteria provided, single submitter. Criteria: ACMG Guidelines, 2015. Collection method: clinical testing. Allele origin: germline.

Labcorp Genetics (formerly Invitae), Labcorp
Classification: Uncertain significance for Cardiomyopathy, familial restrictive, 3; Hypertrophic cardiomyopathy 2; Dilated cardiomyopathy 1D. Last evaluated: 2020-05-06. Review status: criteria provided, single submitter. Criteria: Invitae Variant Classification Sherloc (09022015). Collection method: clinical testing. Allele origin: germline.
Comment: In summary, the available evidence is currently insufficient to determine the role of this variant in disease. Therefore, it has been classified as a Variant of Uncertain Significance. Experimental studies and prediction algorithms are not available or were not evaluated, and the functional significance of this variant is currently unknown. This variant has not been reported in the literature in individuals with TNNT2-related conditions. This variant is not present in population databases (ExAC no frequency). This variant, c.487_489dup, results in the insertion of 1 amino acid(s) to the TNNT2 protein (p.Glu163dup), but otherwise preserves the integrity of the reading frame.

NM_001276345.2(TNNT2):c.508GAG[5] (p.Glu173dup)

Gene: TNNT2 (troponin T2, cardiac type; minus strand). Cytogenetic location: 1q32.1.
Variant type: Microsatellite.
Coding change: c.508GAG[5] on transcript NM_001276345.2 (MANE Select); five copies in a row of the 3-base unit GAG starting at c.508; the reference has four copies in a row; one copy, 3 bases duplicated.
Protein change: p.Glu173dup; duplicates glutamic acid 173.
Molecular consequence: inframe insertion.
Genome position (GRCh38, 1-based): chr1:201,363,377-201,363,379, CTC duplicated on the plus strand (GAG on the coding strand, the reverse complement: TNNT2 is on the minus strand); duplicating any 3 consecutive bases within chr1:201,363,377-201,363,388 gives the same sequence; the position shown is the placement nearest the transcript's 3' end. VCF-style (leftmost placement, unchanged base first): chr1-201363376-T-TCTC. GRCh37 (hg19) VCF-style: chr1-201332504-T-TCTC.
Other names: c.508GAG[5], p.Glu173dup (NM_000364.4); c.478GAG[5], p.Glu163dup (NM_001001430.3, NM_001001431.3, NM_001276347.2); c.463GAG[5], p.Glu158dup (NM_001001432.3); c.388GAG[5], p.Glu133dup (NM_001276346.2).
Identifiers: ClinVar variation 1022139 (VCV001022139.26), dbSNP rs397516470, ClinGen allele CA1219711165.